The following is an entry in ClinVar:

ClinVar aggregate classification (germline): Conflicting classifications of pathogenicity. Review status: criteria provided, conflicting classifications (1 of 4 stars). 3 submissions from 3 submitters: Uncertain significance (2); Likely benign (1). Last evaluated 2025-10-14.

Conditions:
Inborn genetic diseases. Identifiers: MedGen C0950123, MeSH D030342.

Allele frequency attached by ClinVar (database versions not stated): ExAC 0.00003; gnomAD 0.00005; ESP Exome Variant Server 0.00016.
gnomAD v4.1: 51 of 1,611,322 alleles (0.0032%); highest among the groups gnomAD compares: South Asian, 0.025%; no homozygotes.

Submissions (3):

Ambry Genetics
Classification: Likely benign for Inborn genetic diseases. Last evaluated: 2025-10-14. Review status: criteria provided, single submitter. Criteria: Ambry Variant Classification Scheme 2023. Collection method: clinical testing. Allele origin: germline.

CeGaT Center for Human Genetics Tuebingen
Classification: Uncertain significance. Last evaluated: 2025-10-01. Review status: criteria provided, single submitter. Criteria: CeGaT Center For Human Genetics Tuebingen Variant Classification Criteria Version 2. Collection method: clinical testing. Allele origin: germline. Affected: yes. Observed: 1 variant allele.
Comment: KIAA1549: PM2, BP4

Labcorp Genetics (formerly Invitae), Labcorp
Classification: Uncertain significance. Last evaluated: 2024-08-05. Review status: criteria provided, single submitter. Criteria: Invitae Variant Classification Sherloc (09022015). Collection method: clinical testing. Allele origin: germline.
Comment: This sequence change replaces arginine, which is basic and polar, with histidine, which is basic and polar, at codon 527 of the KIAA1549 protein (p.Arg527His). This variant is present in population databases (rs373550190, gnomAD 0.01%). This variant has not been reported in the literature in individuals affected with KIAA1549-related conditions. ClinVar contains an entry for this variant (Variation ID: 1921941). An algorithm developed to predict the effect of missense changes on protein structure and function outputs the following: PolyPhen-2: "Benign". The histidine amino acid residue is found in multiple mammalian species, which suggests that this missense change does not adversely affect protein function. In summary, the available evidence is currently insufficient to determine the role of this variant in disease. Therefore, it has been classified as a Variant of Uncertain Significance.

NM_001164665.2(KIAA1549):c.1580G>A (p.Arg527His)

Gene: KIAA1549 (KIAA1549; minus strand). Cytogenetic location: 7q34.
Variant type: single nucleotide variant.
Coding change: c.1580G>A on transcript NM_001164665.2 (MANE Select); coding-DNA position 1580, G replaced by A.
Protein change: p.Arg527His; replaces arginine 527 with histidine.
Molecular consequence: missense variant.
Genome position (GRCh38, 1-based): chr7:138,918,046, C>T on the plus strand (G>A on the coding strand, the complement: KIAA1549 is on the minus strand). VCF-style: chr7-138918046-C-T. GRCh37 (hg19) VCF-style: chr7-138602792-C-T.
Other names: c.1580G>A (NM_001164665.1); c.1580G>A, p.Arg527His (NM_020910.3); short protein forms R527H.
Identifiers: ClinVar variation 1921941 (VCV001921941.9), dbSNP rs373550190, ClinGen allele CA4506683.